The following is an entry in ClinVar:

NM_015100.4(POGZ):c.3621del (p.Trp1208fs)

Gene: POGZ (pogo transposable element derived with ZNF domain; minus strand). Cytogenetic location: 1q21.3.
Variant type: Deletion.
Coding change: c.3621del on transcript NM_015100.4 (MANE Select); coding-DNA position 3621, one base deleted (G; older notation c.3621delG).
Protein change: p.Trp1208fs; shifts the reading frame from tryptophan 1208.
Molecular consequence: frameshift variant.
Genome position (GRCh38, 1-based): chr1:151,405,414, C deleted on the plus strand (G on the coding strand, the reverse complement: POGZ is on the minus strand). VCF-style (leftmost placement, unchanged base first): chr1-151405413-AC-A. GRCh37 (hg19) VCF-style: chr1-151377889-AC-A.
Other names: c.3621delG (NM_015100.3); c.3594del, p.Trp1199fs (NM_001194937.2); c.3435del, p.Trp1146fs (NM_001194938.2); c.3336del, p.Trp1113fs (NM_145796.4); c.3462del, p.Trp1155fs (NM_207171.2); short protein forms W1113fs, W1199fs, W1208fs, W1146fs, W1155fs.
Identifiers: ClinVar variation 817105 (VCV000817105.2), dbSNP rs1571321814, ClinGen allele CA915941409.
Genomic context (GRCh38, chr1:151,405,413, plus strand): 5'-TCACAAGCATGCCTTTGCTGCGCTGGCAAGCTGTGTGCTTCTGCCACACTCGAGTTGACC[AC>A]AGCTCCATGATCTCGTCATCACTGTAGCCACTCTCCTTTGCCTCTAGCAATATGGAGTCT-3'

ClinVar aggregate classification (germline): Pathogenic (1 of 4 stars; one submission).

Submission:

GeneDx
Classification: Pathogenic. Last evaluated: 2020-08-27. Review status: criteria provided, single submitter. Criteria: GeneDx Variant Classification Process June 2021. Collection method: clinical testing. Allele origin: germline. Affected: yes.
Comment: Frameshift variant predicted to result in protein truncation, as the last 203 amino acids are replaced with 19 different amino acids, and other loss-of-function variants have been reported downstream in the Human Gene Mutation Database (Stenson et al., 2014); Not observed in large population cohorts (Lek et al., 2016); Has not been previously published as pathogenic or benign to our knowledge